The following is an entry in ClinVar:

NM_005076.5(CNTN2):c.351G>A (p.Val117=)

Gene: CNTN2 (contactin 2; plus strand). Cytogenetic location: 1q32.1.
Variant type: single nucleotide variant.
Coding change: c.351G>A on transcript NM_005076.5 (MANE Select); coding-DNA position 351, G replaced by A.
Protein change: p.Val117=; no amino-acid change (valine 117 retained).
Molecular consequence: synonymous variant. On other transcripts: non-coding transcript variant (1).
Genome position (GRCh38, 1-based): chr1:205,058,316, G>A. VCF-style: chr1-205058316-G-A. GRCh37 (hg19) VCF-style: chr1-205027444-G-A.
Other names: c.351G>A, p.Val117= (NM_001346083.2).
Identifiers: ClinVar variation 1462275 (VCV001462275.6), dbSNP rs2151189366, ClinGen allele CA422875087.

ClinVar aggregate classification (germline): Uncertain significance (1 of 4 stars; one submission).

Conditions:
Epilepsy, familial adult myoclonic, 5 (EPEO5). Also called: CORTICAL MYOCLONIC TREMOR WITH EPILEPSY, FAMILIAL, 5. Identifiers: Orphanet 86814, MedGen C3809374, MONDO:0014167, OMIM 615400.

Submission:

Labcorp Genetics (formerly Invitae), Labcorp
Classification: Uncertain significance for Epilepsy, familial adult myoclonic, 5. Last evaluated: 2022-07-18. Review status: criteria provided, single submitter. Criteria: Invitae Variant Classification Sherloc (09022015). Collection method: clinical testing. Allele origin: germline.
Comment: This sequence change affects codon 117 of the CNTN2 mRNA. It is a 'silent' change, meaning that it does not change the encoded amino acid sequence of the CNTN2 protein. This variant is not present in population databases (gnomAD no frequency). This variant has not been reported in the literature in individuals affected with CNTN2-related conditions. ClinVar contains an entry for this variant (Variation ID: 1462275). Algorithms developed to predict the effect of sequence changes on RNA splicing suggest that this variant may create or strengthen a splice site. In summary, the available evidence is currently insufficient to determine the role of this variant in disease. Therefore, it has been classified as a Variant of Uncertain Significance.